The following is an entry in ClinVar:

ClinVar aggregate classification (germline): Uncertain significance (1 of 4 stars; one submission).

Conditions:
Cardiovascular phenotype. Identifiers: MedGen CN230736.

Submission:

Ambry Genetics
Classification: Uncertain significance for Cardiovascular phenotype. Last evaluated: 2016-06-21. Review status: criteria provided, single submitter. Criteria: Ambry Variant Classification Scheme 2023. Collection method: clinical testing. Allele origin: germline.
Comment: The p.I1842F variant (also known as c.5524A>T), located in coding exon 37 of the RYR2 gene, results from an A to T substitution at nucleotide position 5524. The isoleucine at codon 1842 is replaced by phenylalanine, an amino acid with highly similar properties. This variant was not reported in population based cohorts in the following databases: Database of Single Nucleotide Polymorphisms (dbSNP), Exome Aggregation Consortium (ExAC), NHLBI Exome Sequencing Project (ESP), and 1000 Genomes Project. In the ESP, this variant was not observed in 6175 samples (12350 alleles) with coverage at this position. This amino acid position is not well conserved in available vertebrate species. In addition, this alteration is predicted to be tolerated by in silico analysis. Since supporting evidence is limited at this time, the clinical significance of this variant remains unclear.

NM_001035.3(RYR2):c.5524A>T (p.Ile1842Phe)

Gene: RYR2 (ryanodine receptor 2; plus strand). Cytogenetic location: 1q43.
Variant type: single nucleotide variant.
Coding change: c.5524A>T on transcript NM_001035.3 (MANE Select); coding-DNA position 5524, A replaced by T.
Protein change: p.Ile1842Phe; replaces isoleucine 1842 with phenylalanine.
Molecular consequence: missense variant.
Genome position (GRCh38, 1-based): chr1:237,614,652, A>T. VCF-style: chr1-237614652-A-T. GRCh37 (hg19) VCF-style: chr1-237777952-A-T.
Other names: c.5524A>T, p.Ile1842Phe (LRG_402t1); short protein forms I1842F.
Identifiers: ClinVar variation 518467 (VCV000518467.5), dbSNP rs1553522483, ClinGen allele CA345405216.